The following is an entry in ClinVar:

ClinVar aggregate classification (germline): Uncertain significance (1 of 4 stars; one submission).

Conditions:
Polycystic kidney disease 4 (PKD4). Also called: POLYCYSTIC KIDNEY AND HEPATIC DISEASE 1; POLYCYSTIC KIDNEY DISEASE, INFANTILE, TYPE I; POLYCYSTIC KIDNEY DISEASE 4 WITH OR WITHOUT POLYCYSTIC LIVER DISEASE; PKD3; Autosomal Recessive Polycystic Kidney Disease – PKHD1. Identifiers: MedGen C4540575, MONDO:0033004, OMIM 263200.

Submission:

MVZ Medizinische Genetik Mainz
Classification: Uncertain significance for Polycystic kidney disease 4. Last evaluated: 2026-01-06. Review status: criteria provided, single submitter. Criteria: UK Practice Guidelines For Variant Classification V4 01 2020. Collection method: clinical testing. Allele origin: germline. Inheritance: Autosomal recessive inheritance. Affected: yes. Observed: 1 variant allele.
Comment: ACMG Criteria: PM4,PM2_SUP,PP3,PP4; Compound Heterozygote

NM_138694.4(PKHD1):c.9429_9437del (p.Arg3143_Gly3146delinsSer)

Gene: PKHD1 (PKHD1 ciliary IPT domain containing fibrocystin/polyductin; minus strand). Cytogenetic location: 6p12.3.
Variant type: Deletion.
Coding change: c.9429_9437del on transcript NM_138694.4 (MANE Select); coding-DNA positions 9429 to 9437, 9 bases deleted (AATCTCTGG; older notation c.9429_9437delAATCTCTGG).
Protein change: p.Arg3143_Gly3146delinsSer.
Molecular consequence: inframe indel.
Genome position (GRCh38, 1-based): chr6:51,748,179-51,748,187, CCAGAGATT deleted on the plus strand (AATCTCTGG on the coding strand, the reverse complement: PKHD1 is on the minus strand); deleting any 9 consecutive bases within chr6:51,748,179-51,748,188 gives the same sequence; the c. name uses the placement nearest the transcript's 3' end. VCF-style (leftmost placement, unchanged base first): chr6-51748178-GCCAGAGATT-G. GRCh37 (hg19) VCF-style: chr6-51612976-GCCAGAGATT-G.
Other names: c.9429_9437del, p.Arg3143_Gly3146delinsSer (NM_170724.3).
Identifiers: ClinVar variation 5038200 (VCV005038200.1).
Genomic context (GRCh38, chr6:51,748,178, plus strand): 5'-CTCCACGCTGTTCTCTACATGTAACATGGCACCATAGTCAAAGTTCTTGAAAGCCAAGAA[GCCAGAGATT>G]CTGGTACAGTTGTCAAGTCCACTTTCCTTATAGAGATGAAGGCCATGAAGACTTGAATGC-3'